The following is an entry in ClinVar:

NM_199420.4(POLQ):c.3407A>G (p.His1136Arg)

Gene: POLQ (DNA polymerase theta; minus strand). Cytogenetic location: 3q13.33.
Variant type: single nucleotide variant.
Coding change: c.3407A>G on transcript NM_199420.4 (MANE Select); coding-DNA position 3407, A replaced by G.
Protein change: p.His1136Arg; replaces histidine 1136 with arginine.
Molecular consequence: missense variant.
Genome position (GRCh38, 1-based): chr3:121,489,524, T>C on the plus strand (A>G on the coding strand, the complement: POLQ is on the minus strand). VCF-style: chr3-121489524-T-C. GRCh37 (hg19) VCF-style: chr3-121208371-T-C.
Other names: short protein forms H1136R.
Identifiers: ClinVar variation 3308707 (VCV003308707.1).

ClinVar aggregate classification (germline): Uncertain significance (1 of 4 stars; one submission).

gnomAD v4.1: 1 of 1,613,832 alleles (0.000062%); highest among the groups gnomAD compares: Non-Finnish European, 0.000085%; no homozygotes.

Submission:

Ambry Genetics
Classification: Uncertain significance. Last evaluated: 2024-05-31. Review status: criteria provided, single submitter. Criteria: Ambry Variant Classification Scheme 2023. Collection method: clinical testing. Allele origin: germline.
Comment: The p.H1136R variant (also known as c.3407A>G), located in coding exon 16 of the POLQ gene, results from an A to G substitution at nucleotide position 3407. The histidine at codon 1136 is replaced by arginine, an amino acid with highly similar properties. This amino acid position is conserved. In addition, this alteration is predicted to be tolerated by in silico analysis. Based on the available evidence, the clinical significance of this variant remains unclear.